The following is an entry in ClinVar:

ClinVar aggregate classification (germline): Uncertain significance. Review status: criteria provided, multiple submitters, no conflicts (2 of 4 stars). 2 submissions from 2 submitters: Uncertain significance (2). Last evaluated 2025-11-05.

Conditions:
Hereditary pheochromocytoma and paraganglioma. Also called: Hereditary Paraganglioma-Pheochromocytoma Syndromes; Hereditary pheochromocytoma-paraganglioma; Hereditary paragangliomas and pheochromocytomas. Identifiers: Orphanet 29072, MedGen C4274332, MONDO:0017366.

Submissions (2):

Quest Diagnostics Nichols Institute San Juan Capistrano
Classification: Uncertain significance. Last evaluated: 2025-11-05. Review status: criteria provided, single submitter. Criteria: Quest Diagnostics criteria. Collection method: clinical testing. Allele origin: unknown.
Comment: The TMEM127 c.176G>A (p.Gly59Asp) variant has been reported in the published literature in an individual with pheochromocytoma (PMID: 27986441 (2017)). This variant has not been reported in large, multi-ethnic general populations (Genome Aggregation Database). Analysis of this variant using bioinformatics tools for the prediction of the effect of amino acid changes on protein structure and function yielded predictions that this variant is damaging. Based on the available information, we are unable to determine the clinical significance of this variant.

Labcorp Genetics (formerly Invitae), Labcorp
Classification: Uncertain significance for Hereditary pheochromocytoma and paraganglioma. Last evaluated: 2023-06-24. Review status: criteria provided, single submitter. Criteria: Invitae Variant Classification Sherloc (09022015). Collection method: clinical testing. Allele origin: germline.
Comment: In summary, the available evidence is currently insufficient to determine the role of this variant in disease. Therefore, it has been classified as a Variant of Uncertain Significance. An algorithm developed to predict the effect of missense changes on protein structure and function (PolyPhen-2) suggests that this variant is likely to be disruptive. This variant has not been reported in the literature in individuals affected with TMEM127-related conditions. This variant is not present in population databases (gnomAD no frequency). This sequence change replaces glycine, which is neutral and non-polar, with aspartic acid, which is acidic and polar, at codon 59 of the TMEM127 protein (p.Gly59Asp).

Literature cited by the submitters: PubMed 27986441 (cited by Quest Diagnostics Nichols Institute San Juan Capistrano).

NM_017849.4(TMEM127):c.176G>A (p.Gly59Asp)

Gene: TMEM127 (transmembrane protein 127; minus strand). Cytogenetic location: 2q11.2.
Variant type: single nucleotide variant.
Coding change: c.176G>A on transcript NM_017849.4 (MANE Select); coding-DNA position 176, G replaced by A.
Protein change: p.Gly59Asp; replaces glycine 59 with aspartic acid.
Molecular consequence: missense variant. On other transcripts: intron variant (1).
Genome position (GRCh38, 1-based): chr2:96,265,206, C>T on the plus strand (G>A on the coding strand, the complement: TMEM127 is on the minus strand). VCF-style: chr2-96265206-C-T. GRCh37 (hg19) VCF-style: chr2-96930944-C-T.
Other names: c.176G>A, p.Gly59Asp (NM_001193304.3); c.-9+663G>A (NM_001407283.1); short protein forms G59D.
Identifiers: ClinVar variation 2769496 (VCV002769496.4), dbSNP rs1684390010, ClinGen allele CA347655962.